The following is an entry in ClinVar:

NM_001110556.2(FLNA):c.6915C>T (p.Tyr2305=)

Gene: FLNA (filamin A; minus strand). Cytogenetic location: Xq28.
Variant type: single nucleotide variant.
Coding change: c.6915C>T on transcript NM_001110556.2 (MANE Select); coding-DNA position 6915, C replaced by T.
Protein change: p.Tyr2305=; no amino-acid change (tyrosine 2305 retained).
Molecular consequence: synonymous variant.
Genome position (GRCh38, 1-based): chrX:154,351,689, G>A on the plus strand (C>T on the coding strand, the complement: FLNA is on the minus strand). VCF-style: chrX-154351689-G-A. GRCh37 (hg19) VCF-style: chrX-153580057-G-A.
Other names: c.6891C>T, p.Tyr2297= (NM_001456.4).
Identifiers: ClinVar variation 1625570 (VCV001625570.10), dbSNP rs781910090, ClinGen allele CA10559988.

ClinVar aggregate classification (germline): Conflicting classifications of pathogenicity. Review status: criteria provided, conflicting classifications (1 of 4 stars). 3 submissions from 3 submitters: Uncertain significance (1); Likely benign (2). Last evaluated 2024-09-05.

Conditions:
Melnick-Needles syndrome (MNS). Also called: Melnick-Needles Syndrome (FLNA-MNS); MELNICK-NEEDLES OSTEODYSPLASTY; OSTEODYSPLASTY OF MELNICK AND NEEDLES. Identifiers: Orphanet 2484, MedGen C0025237, MONDO:0010650, OMIM 309350.
Frontometaphyseal dysplasia (FMD1). Identifiers: Orphanet 1826, MedGen C0265293, MONDO:0015942.
Heterotopia, periventricular, X-linked dominant (PVNH1). Also called: PERIVENTRICULAR NODULAR HETEROTOPIA 1; X-linked periventricular heterotopia; PERIVENTRICULAR NODULAR HETEROTOPIA 4; HETEROTOPIA, PERIVENTRICULAR, 1. Identifiers: Orphanet 2149, Orphanet 82004, MedGen C1848213, MONDO:0010233, OMIM 300049.
Oto-palato-digital syndrome, type II (OPD2). Also called: Otopalatodigital Syndrome Type 2 (FLNA-OPD2); Otopalatodigital Syndrome, Type II; FACIOPALATOOSSEOUS SYNDROME; OPD II SYNDROME. Identifiers: Orphanet 669, Orphanet 90652, MedGen C1844696, MONDO:0010571, OMIM 304120.
Thrombocytopenia. Identifiers: MedGen C0040034, MeSH D013921, MONDO:0002049, HP:0001873.

Allele frequency attached by ClinVar (database versions not stated): ExAC 0.00001; gnomAD exomes 0.00001 and 0.00002; TOPMed 0.00001.
gnomAD v4.1: 11 of 1,184,310 alleles (0.00093%); highest among the groups gnomAD compares: South Asian, 0.011%; no homozygotes.

Submissions (3):

Labcorp Genetics (formerly Invitae), Labcorp
Classification: Likely benign for Oto-palato-digital syndrome, type II; Heterotopia, periventricular, X-linked dominant; Frontometaphyseal dysplasia; Melnick-Needles syndrome. Last evaluated: 2024-09-05. Review status: criteria provided, single submitter. Criteria: Invitae Variant Classification Sherloc (09022015). Collection method: clinical testing. Allele origin: germline.

ARUP Laboratories, Molecular Genetics and Genomics, ARUP Laboratories
Classification: Likely benign. Last evaluated: 2023-04-17. Review status: criteria provided, single submitter. Criteria: ARUP Molecular Germline Variant Investigation Process 2024. Collection method: clinical testing. Allele origin: germline.

ISTH-SSC Genomics in Thrombosis and Hemostasis, KU Leuven, Center for Molecular and Vascular Biology
Classification: Uncertain significance for Thrombocytopenia. Review status: criteria provided, single submitter. Criteria: ACMG Guidelines, 2015. Collection method: clinical testing. Allele origin: germline. Affected: yes. Observed: 1 hemizygote.
Comment: Submitted to the GoldVariant database by Kathleen Freson, Center for Molecular and Vascular Biology